The following is an entry in ClinVar:

NM_148919.4(PSMB8):c.181G>A (p.Gly61Arg)

Gene: PSMB8 (proteasome 20S subunit beta 8; minus strand). Cytogenetic location: 6p21.32.
Variant type: single nucleotide variant.
Coding change: c.181G>A on transcript NM_148919.4 (MANE Select); coding-DNA position 181, G replaced by A.
Protein change: p.Gly61Arg; replaces glycine 61 with arginine.
Molecular consequence: missense variant.
Genome position (GRCh38, 1-based): chr6:32,843,056, C>T on the plus strand (G>A on the coding strand, the complement: PSMB8 is on the minus strand). VCF-style: chr6-32843056-C-T. GRCh37 (hg19) VCF-style: chr6-32810833-C-T.
Other names: c.169G>A, p.Gly57Arg (NM_004159.5); short protein forms G57R, G61R.
Identifiers: ClinVar variation 940811 (VCV000940811.14), dbSNP rs1007524117, ClinGen allele CA137008147.
Genomic context (GRCh38, chr6:32,843,056, plus strand): 5'-GGAACTTGAAGGCGAGCGTGGTGGTGCCATGGGCCATCTCAATCTGAACGTTCCTTTCTC[C>T]GTCCCCACCCAGGGACTGGAAGAATTCTGTGGGCTGATAAGAGAAAAGAGGTTGAGAAAG-3'
Protein context (NP_683720.2, residues 51-71): TEFFQSLGGD[Gly61Arg]ERNVQIEMAH

ClinVar aggregate classification (germline): Conflicting classifications of pathogenicity. Review status: criteria provided, conflicting classifications (1 of 4 stars). 3 submissions from 3 submitters: Uncertain significance (2); Likely benign (1). Last evaluated 2025-10-02.

Conditions:
Inborn genetic diseases. Identifiers: MedGen C0950123, MeSH D030342.
Autoinflammatory syndrome. Identifiers: Orphanet 93665, MedGen C3890737, MONDO:0019751.
Proteosome-associated autoinflammatory syndrome. Also called: Proteasome-associated autoinflammatory syndrome. Identifiers: Orphanet 324977, MedGen C1850568, MONDO:0009726.

Allele frequency attached by ClinVar (database versions not stated): gnomAD 0.00001; TOPMed 0.00001; gnomAD exomes 0.00002.
gnomAD v4.1: 25 of 1,612,922 alleles (0.0015%); highest among the groups gnomAD compares: Non-Finnish European, 0.0019%; no homozygotes.

Submissions (3):

Ambry Genetics
Classification: Likely benign for Inborn genetic diseases. Last evaluated: 2025-10-02. Review status: criteria provided, single submitter. Criteria: Ambry Variant Classification Scheme 2023. Collection method: clinical testing. Allele origin: germline.

Labcorp Genetics (formerly Invitae), Labcorp
Classification: Uncertain significance for Proteosome-associated autoinflammatory syndrome. Last evaluated: 2019-06-28. Review status: criteria provided, single submitter. Criteria: Invitae Variant Classification Sherloc (09022015). Collection method: clinical testing. Allele origin: germline.
Comment: This sequence change replaces glycine with arginine at codon 61 of the PSMB8 protein (p.Gly61Arg). The glycine residue is weakly conserved and there is a moderate physicochemical difference between glycine and arginine. This variant is not present in population databases (ExAC no frequency). This variant has not been reported in the literature in individuals with PSMB8-related conditions. Algorithms developed to predict the effect of missense changes on protein structure and function output the following: SIFT: "Tolerated"; PolyPhen-2: "Benign"; Align-GVGD: "Class C0". The arginine amino acid residue is found in multiple mammalian species, suggesting that this missense change does not adversely affect protein function. These predictions have not been confirmed by published functional studies and their clinical significance is uncertain. In summary, the available evidence is currently insufficient to determine the role of this variant in disease. Therefore, it has been classified as a Variant of Uncertain Significance.

Genome Diagnostics Laboratory, The Hospital for Sick Children
Classification: Uncertain significance for Autoinflammatory syndrome. Last evaluated: 2019-06-01. Review status: criteria provided, single submitter. Criteria: ACMG Guidelines, 2015. Collection method: clinical testing. Allele origin: germline. Affected: yes.